The following is an entry in ClinVar:

NM_000108.5(DLD):c.6G>C (p.Gln2His)

Gene: DLD (dihydrolipoamide dehydrogenase; plus strand). Cytogenetic location: 7q31.1.
Variant type: single nucleotide variant.
Coding change: c.6G>C on transcript NM_000108.5 (MANE Select); coding-DNA position 6, G replaced by C.
Protein change: p.Gln2His; replaces glutamine 2 with histidine.
Molecular consequence: missense variant. On other transcripts: 5 prime UTR variant (1).
Genome position (GRCh38, 1-based): chr7:107,891,256, G>C. VCF-style: chr7-107891256-G-C. GRCh37 (hg19) VCF-style: chr7-107531701-G-C.
Other names: c.-143G>C (NM_001289750.1); c.6G>C, p.Gln2His (NM_001289751.1, NM_001289752.1); short protein forms Q2H.
Identifiers: ClinVar variation 2140178 (VCV002140178.3), dbSNP rs559880901, ClinGen allele CA4434311.

ClinVar aggregate classification (germline): Uncertain significance (1 of 4 stars; one submission).

Conditions:
Pyruvate dehydrogenase E3 deficiency (DLDD). Also called: Dihydrolipoamide Dehydrogenase (E3) Deficiency; Dihydrolipoamide Dehydrogenase E3 Deficiency; Dihydrolipoamide Dehydrogenase Deficiency; MAPLE SYRUP URINE DISEASE, TYPE III; Lipoamide dehydrogenase deficiency, lactic acidosis due to; Lipoamide dehydrogenase deficiency. Identifiers: Orphanet 2394, Orphanet 765, MedGen C5574660, MONDO:0009529, OMIM 246900.

Allele frequency attached by ClinVar (database versions not stated): ExAC 0.00001; gnomAD 0.00003; 1000 Genomes Project 0.00020; 1000 Genomes Project 30x 0.00031.
gnomAD v4.1: 11 of 1,614,160 alleles (0.00068%); highest among the groups gnomAD compares: East Asian, 0.011%; no homozygotes.

Submission:

Labcorp Genetics (formerly Invitae), Labcorp
Classification: Uncertain significance for Pyruvate dehydrogenase E3 deficiency. Last evaluated: 2023-12-18. Review status: criteria provided, single submitter. Criteria: Invitae Variant Classification Sherloc (09022015). Collection method: clinical testing. Allele origin: germline.
Comment: This sequence change replaces glutamine, which is neutral and polar, with histidine, which is basic and polar, at codon 2 of the DLD protein (p.Gln2His). This variant is present in population databases (rs559880901, gnomAD 0.006%). This variant has not been reported in the literature in individuals affected with DLD-related conditions. ClinVar contains an entry for this variant (Variation ID: 2140178). An algorithm developed to predict the effect of missense changes on protein structure and function (PolyPhen-2) suggests that this variant¬†is likely to be tolerated. In summary, the available evidence is currently insufficient to determine the role of this variant in disease. Therefore, it has been classified as a Variant of Uncertain Significance.